The following is an entry in ClinVar:

ClinVar aggregate classification (germline): Benign/Likely benign. Review status: criteria provided, multiple submitters, no conflicts (2 of 4 stars). 2 submissions from 2 submitters: Benign (1); Likely benign (1). Last evaluated 2025-01-31.

Conditions:
Hereditary cancer-predisposing syndrome. Also called: Neoplastic Syndromes, Hereditary; Tumor predisposition; Hereditary Cancer Syndrome; Hereditary neoplastic syndrome. Identifiers: Orphanet 140162, MedGen C0027672, MeSH D009386, MONDO:0015356.
Lynch syndrome 4 (LYNCH4). Also called: Colorectal cancer, hereditary nonpolyposis, type 4; Hereditary non-polyposis colorectal cancer, type 4. Identifiers: Orphanet 144, MedGen C1838333, MONDO:0013699, OMIM 614337. Disease mechanism: loss of function.

Submissions (2):

Myriad Genetics, Inc.
Classification: Benign for Lynch syndrome 4. Last evaluated: 2025-01-31. Review status: criteria provided, single submitter. Criteria: Myriad Autosomal Dominant, Autosomal Recessive and X-Linked Classification Criteria (2023). Collection method: clinical testing. Allele origin: unknown.
Comment: This variant is considered benign. This variant is a silent/synonymous amino acid change and it is not expected to impact splicing.

Ambry Genetics
Classification: Likely benign for Hereditary cancer-predisposing syndrome. Last evaluated: 2014-12-31. Review status: criteria provided, single submitter. Criteria: Ambry Variant Classification Scheme 2023. Collection method: clinical testing. Allele origin: germline.

NM_000535.7(PMS2):c.1863T>C (p.Ser621=)

Gene: PMS2 (PMS1 homolog 2, mismatch repair system component; minus strand). Cytogenetic location: 7p22.1.
Variant type: single nucleotide variant.
Coding change: c.1863T>C on transcript NM_000535.7 (MANE Select); coding-DNA position 1863, T replaced by C.
Protein change: p.Ser621=; no amino-acid change (serine 621 retained).
Molecular consequence: synonymous variant. On other transcripts: non-coding transcript variant (1).
Genome position (GRCh38, 1-based): chr7:5,986,902, A>G on the plus strand (T>C on the coding strand, the complement: PMS2 is on the minus strand). VCF-style: chr7-5986902-A-G. GRCh37 (hg19) VCF-style: chr7-6026533-A-G.
Other names: c.1458T>C, p.Ser486= (NM_001322003.2, NM_001322004.2, NM_001322005.2 and 1 more transcripts); c.1707T>C, p.Ser569= (NM_001322006.2); c.1545T>C, p.Ser515= (NM_001322007.2, NM_001322008.2); c.1302T>C, p.Ser434= (NM_001322010.2); c.930T>C, p.Ser310= (NM_001322011.2, NM_001322012.2); c.1290T>C, p.Ser430= (NM_001322013.2); c.1863T>C, p.Ser621= (NM_001322014.2); c.1554T>C, p.Ser518= (NM_001322015.2).
Identifiers: ClinVar variation 187737 (VCV000187737.6), dbSNP rs786203962, ClinGen allele CA010356.
Genomic context (GRCh38, chr7:5,986,902, plus strand): 5'-CCCTTCACTTTGCTGTGCTTCATGATGTAACTGCTTTATTCGTTTAGCTAAAGAACTCAT[A>G]GAAAAGTCCAGGGGCACAACTTTCTTATTAATTTTCACAGCTACATCAACCTGAGAGGCT-3'
Protein context (NP_000526.2, residues 611-631): INKKVVPLDF[Ser621=]MSSLAKRIKQ